The following is an entry in ClinVar:

ClinVar aggregate classification (germline): Likely benign. Review status: criteria provided, multiple submitters, no conflicts (2 of 4 stars). 2 submissions from 2 submitters: Likely benign (2). Last evaluated 2024-12-31.

Conditions:
Familial cancer of breast. Also called: hereditary breast carcinoma; Hereditary breast cancer; BREAST CANCER, FAMILIAL. Identifiers: Orphanet 227535, MedGen C0346153, MONDO:0016419, OMIM 114480. Disease mechanism: loss of function.

Allele frequency attached by ClinVar (database versions not stated): gnomAD 0.00001.

Submissions (2):

Labcorp Genetics (formerly Invitae), Labcorp
Classification: Likely benign for Familial cancer of breast. Last evaluated: 2024-12-31. Review status: criteria provided, single submitter. Criteria: Invitae Variant Classification Sherloc (09022015). Collection method: clinical testing. Allele origin: germline.

Myriad Genetics, Inc.
Classification: Likely benign for Familial cancer of breast. Last evaluated: 2024-10-07. Review status: criteria provided, single submitter. Criteria: Myriad Autosomal Dominant, Autosomal Recessive and X-Linked Classification Criteria (2023). Collection method: clinical testing. Allele origin: unknown.
Comment: This variant is considered likely benign. This variant is intronic and is not expected to impact mRNA splicing.

NM_007194.4(CHEK2):c.1260-19T>C

Gene: CHEK2 (checkpoint kinase 2; minus strand). Cytogenetic location: 22q12.1.
Variant type: single nucleotide variant.
Coding change: c.1260-19T>C on transcript NM_007194.4 (MANE Select); 19 bases into the intron before coding-DNA position 1260, T replaced by C.
Molecular consequence: intron variant.
Genome position (GRCh38, 1-based): chr22:28,695,261, A>G on the plus strand (T>C on the coding strand, the complement: CHEK2 is on the minus strand). VCF-style: chr22-28695261-A-G. GRCh37 (hg19) VCF-style: chr22-29091249-A-G.
Other names: c.597-19T>C (NM_001437942.1, NM_001257387.3); c.1059-19T>C (NM_001349956.3); c.1173-19T>C (NM_145862.3); c.1266-19T>C (NM_001438295.1); c.1353-19T>C (NM_001438293.1); c.1302-19T>C (NM_001438294.1); c.1389-19T>C (NM_001005735.3).
Identifiers: ClinVar variation 1612618 (VCV001612618.10), dbSNP rs2145796574, ClinGen allele CA2573157947.